The following is an entry in ClinVar:

NM_000059.4(BRCA2):c.5631C>T (p.Asn1877=)

Gene: BRCA2 (BRCA2 DNA repair associated; plus strand). Cytogenetic location: 13q13.1.
Variant type: single nucleotide variant.
Coding change: c.5631C>T on transcript NM_000059.4 (MANE Select); coding-DNA position 5631, C replaced by T.
Protein change: p.Asn1877=; no amino-acid change (asparagine 1877 retained).
Molecular consequence: synonymous variant.
Genome position (GRCh38, 1-based): chr13:32,339,986, C>T. VCF-style: chr13-32339986-C-T. GRCh37 (hg19) VCF-style: chr13-32914123-C-T.
Other names: p.Asn1877=.
Identifiers: ClinVar variation 184553 (VCV000184553.26), dbSNP rs374326934, ClinGen allele CA022748.

ClinVar aggregate classification (germline): Likely benign. Review status: reviewed by expert panel (3 of 4 stars). 11 submissions from 11 submitters: Likely benign (1). 10 of the submissions do not count toward it. Last evaluated 2017-06-29.

Conditions:
BRCA2-related disorder. Also called: BRCA2-related condition; BRCA2-related disorders. Identifiers: MedGen CN239275.
Hereditary cancer-predisposing syndrome. Also called: Tumor predisposition; Neoplastic Syndromes, Hereditary; Hereditary neoplastic syndrome; Hereditary Cancer Syndrome. Identifiers: Orphanet 140162, MedGen C0027672, MeSH D009386, MONDO:0015356.
Hereditary breast ovarian cancer syndrome. Also called: Hereditary breast and ovarian cancer syndrome; Hereditary breast and ovarian cancer syndrome (HBOC); Hereditary breast and ovarian cancer; Breast and ovarian cancer; BRCA1- and BRCA2-Associated Hereditary Breast and Ovarian Cancer; Hereditary breast and/or ovarian cancer syndrome. Identifiers: Orphanet 145, MedGen C0677776, MeSH D061325, MONDO:0003582. Disease mechanism: loss of function.
Breast-ovarian cancer, familial, susceptibility to, 2 (BROVCA2). Also called: BRCA2 Hereditary Breast and Ovarian Cancer. Identifiers: Orphanet 145, MedGen C2675520, MONDO:0012933, OMIM 612555. Disease mechanism: loss of function.

Allele frequency attached by ClinVar (database versions not stated): gnomAD exomes 0.00004; ESP Exome Variant Server 0.00008.
gnomAD v4.1: 64 of 1,611,510 alleles (0.004%); highest among the groups gnomAD compares: Non-Finnish European, 0.0051%; no homozygotes.

Submissions (11):

Evidence-based Network for the Interpretation of Germline Mutant Alleles (ENIGMA)
Classification: Likely benign for Breast-ovarian cancer, familial, susceptibility to, 2. Last evaluated: 2017-06-29. Review status: reviewed by expert panel. Criteria: ENIGMA BRCA1/2 Classification Criteria (2017-06-29). Collection method: curation. Allele origin: germline.
Comment: Synonymous substitution variant, with low bioinformatic likelihood to result in a splicing aberration (Splicing prior probability 0.02).

Labcorp Genetics (formerly Invitae), Labcorp
Classification: Likely benign for Hereditary breast ovarian cancer syndrome. Last evaluated: 2025-12-13. Review status: criteria provided, single submitter. Criteria: Invitae Variant Classification Sherloc (09022015). Collection method: clinical testing. Allele origin: germline. Not counted in ClinVar's aggregate classification.

Mayo Clinic Laboratories, Mayo Clinic
Classification: Likely benign. Last evaluated: 2025-09-22. Review status: criteria provided, single submitter. Criteria: ACMG Guidelines, 2015. Collection method: clinical testing. Allele origin: germline. Observed: 1 variant allele. Not counted in ClinVar's aggregate classification.
Comment: BP1_strong

All of Us Research Program, National Institutes of Health
Classification: Likely benign for Breast-ovarian cancer, familial, susceptibility to, 2. Last evaluated: 2023-10-23. Review status: criteria provided, single submitter. Criteria: ACMG Guidelines, 2015. Collection method: clinical testing. Allele origin: germline. Inheritance: Autosomal dominant inheritance. Observed: 1 variant allele, 1 heterozygote. Not counted in ClinVar's aggregate classification.
Comment: This study involves interpretation of variants in research participants for the purpose of population health screening. Participant phenotype was not available at the time of variant classification. Additional details can be found in publication PMID: 35346344, PMCID: PMC8962531

Quest Diagnostics Nichols Institute San Juan Capistrano
Classification: Likely benign. Last evaluated: 2023-03-02. Review status: criteria provided, single submitter. Criteria: Quest Diagnostics criteria. Collection method: clinical testing. Allele origin: unknown. Not counted in ClinVar's aggregate classification.

Blueprint Genetics
Classification: Likely benign. Last evaluated: 2022-11-07. Review status: criteria provided, single submitter. Criteria: ACMG Guidelines, 2015. Collection method: clinical testing. Allele origin: germline. Not counted in ClinVar's aggregate classification.

Women's Health and Genetics/Laboratory Corporation of America, LabCorp
Classification: Likely benign. Last evaluated: 2019-08-21. Review status: criteria provided, single submitter. Criteria: LabCorp Variant Classification Summary - May 2015. Collection method: clinical testing. Allele origin: germline. Not counted in ClinVar's aggregate classification.

Color Diagnostics, LLC DBA Color Health
Classification: Likely benign for Hereditary cancer-predisposing syndrome. Last evaluated: 2016-06-20. Review status: criteria provided, single submitter. Criteria: ACMG Guidelines, 2015. Collection method: clinical testing. Allele origin: germline. Not counted in ClinVar's aggregate classification.

Ambry Genetics
Classification: Likely benign for Hereditary cancer-predisposing syndrome. Last evaluated: 2015-08-24. Review status: criteria provided, single submitter. Criteria: Ambry Variant Classification Scheme 2023. Collection method: clinical testing. Allele origin: germline. Not counted in ClinVar's aggregate classification.

GeneDx
Classification: Benign. Last evaluated: 2015-06-15. Review status: criteria provided, single submitter. Criteria: GeneDx Variant Classification (06012015). Collection method: clinical testing. Allele origin: germline. Affected: yes. Not counted in ClinVar's aggregate classification.
Comment: This variant is considered likely benign or benign based on one or more of the following criteria: it is a conservative change, it occurs at a poorly conserved position in the protein, it is predicted to be benign by multiple in silico algorithms, and/or has population frequency not consistent with disease.

PreventionGenetics, part of Exact Sciences
Classification: Likely benign for BRCA2-related condition. Last evaluated: 2024-05-02. Review status: no assertion criteria provided. Collection method: clinical testing. Allele origin: germline. Not counted in ClinVar's aggregate classification.
Comment: This variant is classified as likely benign based on ACMG/AMP sequence variant interpretation guidelines (Richards et al. 2015 PMID: 25741868, with internal and published modifications).